The following is an entry in ClinVar:

ClinVar aggregate classification (germline): Uncertain significance (1 of 4 stars; one submission).

Conditions:
RASopathy. Also called: rasopathies; Noonan spectrum disorder. Identifiers: Orphanet 536391, MedGen C5555857, MONDO:0021060.

Submission:

Labcorp Genetics (formerly Invitae), Labcorp
Classification: Uncertain significance for RASopathy. Last evaluated: 2026-01-27. Review status: criteria provided, single submitter. Criteria: Invitae Variant Classification Sherloc (09022015). Collection method: clinical testing. Allele origin: germline.
Comment: This sequence change replaces lysine, which is basic and polar, with glutamic acid, which is acidic and polar, at codon 137 of the CBL protein (p.Lys137Glu). This variant is not present in population databases (gnomAD no frequency). This variant has not been reported in the literature in individuals affected with CBL-related conditions. Invitae Evidence Modeling of protein sequence and biophysical properties (such as structural, functional, and spatial information, amino acid conservation, physicochemical variation, residue mobility, and thermodynamic stability) indicates that this missense variant is expected to disrupt CBL protein function with a positive predictive value of 95%. In summary, the available evidence is currently insufficient to determine the role of this variant in disease. Therefore, it has been classified as a Variant of Uncertain Significance.

NM_005188.4(CBL):c.409A>G (p.Lys137Glu)

Gene: CBL (Cbl proto-oncogene; plus strand). Cytogenetic location: 11q23.3.
Variant type: single nucleotide variant.
Coding change: c.409A>G on transcript NM_005188.4 (MANE Select); coding-DNA position 409, A replaced by G.
Protein change: p.Lys137Glu; replaces lysine 137 with glutamic acid.
Molecular consequence: missense variant.
Genome position (GRCh38, 1-based): chr11:119,232,661, A>G. VCF-style: chr11-119232661-A-G. GRCh37 (hg19) VCF-style: chr11-119103371-A-G.
Other names: short protein forms K137E.
Identifiers: ClinVar variation 4800600 (VCV004800600.1).